The following is an entry in ClinVar:

ClinVar aggregate classification (germline): Likely pathogenic (1 of 4 stars; one submission).

Conditions:
Peutz-Jeghers syndrome (PJS). Also called: POLYPOSIS, HAMARTOMATOUS INTESTINAL; POLYPS-AND-SPOTS SYNDROME; Peutz-Jeghers polyposis; Periorificial lentiginosis syndrome. Identifiers: Orphanet 2869, MedGen C0031269, MeSH D010580, MONDO:0008280, OMIM 175200.

Submission:

Labcorp Genetics (formerly Invitae), Labcorp
Classification: Likely pathogenic for Peutz-Jeghers syndrome. Last evaluated: 2024-01-07. Review status: criteria provided, single submitter. Criteria: Invitae Variant Classification Sherloc (09022015). Collection method: clinical testing. Allele origin: unknown.
Comment: This variant results in a copy number gain of the genomic region encompassing exon(s) 2-8 of the STK11 gene. While the exact position of this variant cannot be determined from the data, sub-genic copy number gains are generally in tandem (PMID: 25640679). This variant is predicted to be out-of-frame, and may result in an absent or disrupted protein product. Loss-of-function variants in STK11 are known to be pathogenic (PMID: 15188174, 16287113). This variant has not been reported in the literature in individuals affected with STK11-related conditions. In summary, the currently available evidence indicates that the variant is pathogenic, but additional data are needed to prove that conclusively. Therefore, this variant has been classified as Likely Pathogenic.

Literature cited by the submitters: PubMed 25640679; PubMed 15188174; PubMed 16287113.

NC_000019.9:g.(?_1218396)_(1223191_?)dup

Gene: STK11 (serine/threonine kinase 11; plus strand). Cytogenetic location: 19p13.3.
Variant type: Duplication.
Identifiers: ClinVar variation 3248414 (VCV003248414.1).